The following is an entry in ClinVar:

ClinVar aggregate classification (germline): Benign (1 of 4 stars; one submission).

Conditions:
Retinoblastoma (RB1). Also called: RETINOBLASTOMA, SOMATIC. Identifiers: Orphanet 790, MedGen C0035335, MeSH D012175, MONDO:0008380, OMIM 180200, HP:0009919. Disease mechanism: loss of function. Inheritance: Both sporadic and heritable forms are tested..

Allele frequency attached by ClinVar (database versions not stated): TOPMed 0.01621; gnomAD 0.01440 and 0.01545; 1000 Genomes Project 30x 0.01858; gnomAD exomes 0.00281; 1000 Genomes Project 0.01617.
gnomAD v4.1: 2,396 of 229,650 alleles (1%); highest among the groups gnomAD compares: African/African-American, 4.8%; 61 homozygotes.

Submission:

Illumina Laboratory Services, Illumina
Classification: Benign for Retinoblastoma. Last evaluated: 2018-01-12. Review status: criteria provided, single submitter. Criteria: ICSL Variant Classification Criteria 13 December 2019. Collection method: clinical testing. Allele origin: germline.
Comment: This variant was observed in the ICSL laboratory as part of a predisposition screen in an ostensibly healthy population. It had not been previously curated by ICSL or reported in the Human Gene Mutation Database (HGMD: prior to June 1st, 2018), and was therefore a candidate for classification through an automated scoring system. Utilizing variant allele frequency, disease prevalence and penetrance estimates, and inheritance mode, an automated score was calculated to assess if this variant is too frequent to cause the disease. Based on the score and internal cut-off values, a variant classified as benign is not then subjected to further curation. The score for this variant resulted in a classification of benign for this disease.

NM_000321.3(RB1):c.*1687T>C

Gene: RB1 (RB transcriptional corepressor 1; plus strand). Cytogenetic location: 13q14.2.
Variant type: single nucleotide variant.
Coding change: c.*1687T>C on transcript NM_000321.3 (MANE Select); 1687 bases downstream of the stop codon, T replaced by C.
Molecular consequence: 3 prime UTR variant.
Genome position (GRCh38, 1-based): chr13:48,481,758, T>C. VCF-style: chr13-48481758-T-C. GRCh37 (hg19) VCF-style: chr13-49055894-T-C.
Identifiers: ClinVar variation 312320 (VCV000312320.5), dbSNP rs4151635, ClinGen allele CA10643588.